The following is an entry in ClinVar:

ClinVar aggregate classification (germline): Uncertain significance (1 of 4 stars; one submission).

Conditions:
Bethlem myopathy 1A. Also called: Bethlem myopathy 1; MYOPATHY, BENIGN CONGENITAL, WITH CONTRACTURES; Bethlem Muscular Dystrophy. Identifiers: Orphanet 610, MedGen CN029274, MONDO:0024530, OMIM 158810.

Allele frequency attached by ClinVar (database versions not stated): gnomAD exomes below 0.00001; gnomAD 0.00001.
gnomAD v4.1: 4 of 1,613,308 alleles (0.00025%); highest among the groups gnomAD compares: African/African-American, 0.0053%; no homozygotes.

Submission:

Labcorp Genetics (formerly Invitae), Labcorp
Classification: Uncertain significance for Bethlem myopathy 1A. Last evaluated: 2023-01-19. Review status: criteria provided, single submitter. Criteria: Invitae Variant Classification Sherloc (09022015). Collection method: clinical testing. Allele origin: germline.
Comment: In summary, the available evidence is currently insufficient to determine the role of this variant in disease. Therefore, it has been classified as a Variant of Uncertain Significance. Advanced modeling of protein sequence and biophysical properties (such as structural, functional, and spatial information, amino acid conservation, physicochemical variation, residue mobility, and thermodynamic stability) performed at Invitae indicates that this missense variant is not expected to disrupt COL6A3 protein function. This variant has not been reported in the literature in individuals affected with COL6A3-related conditions. This variant is not present in population databases (gnomAD no frequency). This sequence change replaces valine, which is neutral and non-polar, with isoleucine, which is neutral and non-polar, at codon 2666 of the COL6A3 protein (p.Val2666Ile).

NM_004369.4(COL6A3):c.7996G>A (p.Val2666Ile)

Gene: COL6A3 (collagen type VI alpha 3 chain; minus strand). Cytogenetic location: 2q37.3.
Variant type: single nucleotide variant.
Coding change: c.7996G>A on transcript NM_004369.4 (MANE Select); coding-DNA position 7996, G replaced by A.
Protein change: p.Val2666Ile; replaces valine 2666 with isoleucine.
Molecular consequence: missense variant.
Genome position (GRCh38, 1-based): chr2:237,340,920, C>T on the plus strand (G>A on the coding strand, the complement: COL6A3 is on the minus strand). VCF-style: chr2-237340920-C-T. GRCh37 (hg19) VCF-style: chr2-238249563-C-T.
Other names: c.6175G>A, p.Val2059Ile (NM_057166.5); c.7378G>A, p.Val2460Ile (NM_057167.4); short protein forms V2059I, V2460I, V2666I.
Identifiers: ClinVar variation 2888016 (VCV002888016.3), dbSNP rs2106319899, ClinGen allele CA351196956.